The following is an entry in ClinVar:

ClinVar aggregate classification (germline): Pathogenic (1 of 4 stars; one submission).

Conditions:
Fanconi anemia (FA). Also called: Fanconi's anemia. Identifiers: Orphanet 84, MedGen C0015625, MeSH D005199, MONDO:0019391.

Allele frequency attached by ClinVar (database versions not stated): gnomAD exomes below 0.00001.
gnomAD v4.1: 2 of 1,602,284 alleles (0.00012%); highest among the groups gnomAD compares: Non-Finnish European, 0.000086%; no homozygotes.

Submission:

Labcorp Genetics (formerly Invitae), Labcorp
Classification: Pathogenic for Fanconi anemia. Last evaluated: 2021-12-11. Review status: criteria provided, single submitter. Criteria: Invitae Variant Classification Sherloc (09022015). Collection method: clinical testing. Allele origin: germline.
Comment: This sequence change creates a premature translational stop signal (p.Glu684*) in the FANCM gene. It is expected to result in an absent or disrupted protein product. Loss-of-function variants in FANCM are known to be pathogenic (PMID: 29895858, 30075111). This variant is not present in population databases (gnomAD no frequency). This variant has not been reported in the literature in individuals affected with FANCM-related conditions. For these reasons, this variant has been classified as Pathogenic.

Literature cited by the submitters: PubMed 29895858; PubMed 30075111.

NM_020937.4(FANCM):c.2050G>T (p.Glu684Ter)

Gene: FANCM (FA complementation group M; plus strand). Cytogenetic location: 14q21.2.
Variant type: single nucleotide variant.
Coding change: c.2050G>T on transcript NM_020937.4 (MANE Select); coding-DNA position 2050, G replaced by T.
Protein change: p.Glu684Ter; replaces glutamic acid 684 with a stop codon.
Molecular consequence: nonsense.
Genome position (GRCh38, 1-based): chr14:45,170,636, G>T. VCF-style: chr14-45170636-G-T. GRCh37 (hg19) VCF-style: chr14-45639839-G-T.
Other names: c.1972G>T, p.Glu658Ter (NM_001308133.2); short protein forms E658*, E684*.
Identifiers: ClinVar variation 1910842 (VCV001910842.5), dbSNP rs1888277669, ClinGen allele CA389595947.